The following is an entry in ClinVar:

NM_001415.4(EIF2S3):c.383+3G>A

Gene: EIF2S3 (eukaryotic translation initiation factor 2 subunit gamma; plus strand). Cytogenetic location: Xp22.11.
Variant type: single nucleotide variant.
Coding change: c.383+3G>A on transcript NM_001415.4 (MANE Select); 3 bases into the intron after coding-DNA position 383, G replaced by A.
Molecular consequence: intron variant.
Genome position (GRCh38, 1-based): chrX:24,057,757, G>A. VCF-style: chrX-24057757-G-A. GRCh37 (hg19) VCF-style: chrX-24075874-G-A.
Identifiers: ClinVar variation 2660182 (VCV002660182.24), dbSNP rs779477417, ClinGen allele CA10370723.
Genomic context (GRCh38, chrX:24,057,757, plus strand): 5'-CACCTGACGAGTTTCCTACGGACATTCCAGGGACCAAAGGGAACTTCAAATTAGTCAGGT[G>A]ACCTCTCTTTTGCTACAAACACTACACTTTATATTTTATTGTCTTCTGTTTTGTGCTTTT-3'

ClinVar aggregate classification (germline): Likely benign (1 of 4 stars; one submission).

Allele frequency attached by ClinVar (database versions not stated): gnomAD 0.00001; gnomAD exomes 0.00003; ExAC 0.00006; TOPMed 0.00006.
gnomAD v4.1: 31 of 1,201,221 alleles (0.0026%); highest among the groups gnomAD compares: South Asian, 0.013%; no homozygotes.

Submission:

CeGaT Center for Human Genetics Tuebingen
Classification: Likely benign. Last evaluated: 2024-10-01. Review status: criteria provided, single submitter. Criteria: CeGaT Center For Human Genetics Tuebingen Variant Classification Criteria Version 2. Collection method: clinical testing. Allele origin: germline. Affected: yes. Observed: 2 variant alleles.
Comment: EIF2S3: BP4, BS2